The following is an entry in ClinVar:

NM_004329.3(BMPR1A):c.334-7_334-3del

Gene: BMPR1A (bone morphogenetic protein receptor type 1A; plus strand). Cytogenetic location: 10q23.2.
Variant type: Deletion.
Coding change: c.334-7_334-3del on transcript NM_004329.3 (MANE Select); 7 bases into the intron before coding-DNA position 334 through 3 bases into the intron before coding-DNA position 334, 5 bases deleted (CTTTT; older notation c.334-7_334-3delCTTTT).
Molecular consequence: intron variant.
Genome position (GRCh38, 1-based): chr10:86,899,787-86,899,791, CTTTT deleted; deleting any 5 consecutive bases within chr10:86,899,785-86,899,791 gives the same sequence; the c. name uses the placement nearest the transcript's 3' end. VCF-style (leftmost placement, unchanged base first): chr10-86899784-CTTCTT-C. GRCh37 (hg19) VCF-style: chr10-88659541-CTTCTT-C.
Identifiers: ClinVar variation 1346554 (VCV001346554.9), dbSNP rs2133453116, ClinGen allele CA2573145682.
Genomic context (GRCh38, chr10:86,899,784, plus strand): 5'-TGAATACTAAAAAGACATATCAGTTTAAAATACCAAACCATTTCTAATTTTATCATTACT[CTTCTT>C]TTAGGATTCTCCAAAAGCCCAGCTACGCCGGACAATAGAATGTTGTCGGACCAATTTATG-3'

ClinVar aggregate classification (germline): Uncertain significance. Review status: criteria provided, multiple submitters, no conflicts (2 of 4 stars). 2 submissions from 2 submitters: Uncertain significance (2). Last evaluated 2024-05-28.

Conditions:
Juvenile polyposis syndrome (JPS). Identifiers: Orphanet 2929, MedGen C0345893, MONDO:0017380, OMIM 174900.
Hereditary cancer-predisposing syndrome. Also called: Hereditary Cancer Syndrome; Neoplastic Syndromes, Hereditary; Tumor predisposition; Hereditary neoplastic syndrome. Identifiers: Orphanet 140162, MedGen C0027672, MeSH D009386, MONDO:0015356.

Submissions (2):

Ambry Genetics
Classification: Uncertain significance for Hereditary cancer-predisposing syndrome. Last evaluated: 2024-05-28. Review status: criteria provided, single submitter. Criteria: Ambry Variant Classification Scheme 2023. Collection method: clinical testing. Allele origin: germline.
Comment: The c.334-7_334-3delCTTTT intronic variant is located upstream of coding exon 4 in the BMPR1A gene. This variant results from a deletion of 5 nucleotides at positions c.334-7 to c.334-3. The impacted nucleotide positions are not well conserved in available vertebrate species. In silico splice site analysis for this alteration is inconclusive. Based on the available evidence, the clinical significance of this variant remains unclear.

Labcorp Genetics (formerly Invitae), Labcorp
Classification: Uncertain significance for Juvenile polyposis syndrome. Last evaluated: 2022-05-18. Review status: criteria provided, single submitter. Criteria: Invitae Variant Classification Sherloc (09022015). Collection method: clinical testing. Allele origin: germline.
Comment: This sequence change falls in intron 5 of the BMPR1A gene. It does not directly change the encoded amino acid sequence of the BMPR1A protein. This variant is not present in population databases (gnomAD no frequency). This variant has not been reported in the literature in individuals affected with BMPR1A-related conditions. Algorithms developed to predict the effect of sequence changes on RNA splicing suggest that this variant may disrupt the consensus splice site. In summary, the available evidence is currently insufficient to determine the role of this variant in disease. Therefore, it has been classified as a Variant of Uncertain Significance.